The following is an entry in ClinVar:

NM_000260.4(MYO7A):c.64G>A (p.Val22Met)

Gene: MYO7A (myosin VIIA; plus strand). Cytogenetic location: 11q13.5.
Variant type: single nucleotide variant.
Coding change: c.64G>A on transcript NM_000260.4 (MANE Select); coding-DNA position 64, G replaced by A.
Protein change: p.Val22Met; replaces valine 22 with methionine.
Molecular consequence: missense variant.
Genome position (GRCh38, 1-based): chr11:77,142,754, G>A. VCF-style: chr11-77142754-G-A. GRCh37 (hg19) VCF-style: chr11-76853800-G-A.
Other names: c.64G>A, p.Val22Met (NM_001127180.2); c.31G>A, p.Val11Met (NM_001369365.1); short protein forms V11M, V22M.
Identifiers: ClinVar variation 1312914 (VCV001312914.6), dbSNP rs376701580, ClinGen allele CA6197017.

ClinVar aggregate classification (germline): Uncertain significance. Review status: criteria provided, multiple submitters, no conflicts (2 of 4 stars). 4 submissions from 4 submitters: Uncertain significance (4). Last evaluated 2026-02-02.

Conditions:
Inborn genetic diseases. Identifiers: MedGen C0950123, MeSH D030342.

Allele frequency attached by ClinVar (database versions not stated): ESP Exome Variant Server 0.00008.
gnomAD v4.1: 24 of 1,612,178 alleles (0.0015%); highest among the groups gnomAD compares: Middle Eastern, 0.016%; no homozygotes.

Submissions (4):

Labcorp Genetics (formerly Invitae), Labcorp
Classification: Uncertain significance. Last evaluated: 2026-02-02. Review status: criteria provided, single submitter. Criteria: Invitae Variant Classification Sherloc (09022015). Collection method: clinical testing. Allele origin: germline.
Comment: This sequence change replaces valine, which is neutral and non-polar, with methionine, which is neutral and non-polar, at codon 22 of the MYO7A protein (p.Val22Met). The frequency data for this variant in the population databases is considered unreliable, as metrics indicate poor data quality at this position in the gnomAD database. This variant has not been reported in the literature in individuals affected with MYO7A-related conditions. ClinVar contains an entry for this variant (Variation ID: 1312914). Invitae Evidence Modeling of protein sequence and biophysical properties (such as structural, functional, and spatial information, amino acid conservation, physicochemical variation, residue mobility, and thermodynamic stability) indicates that this missense variant is not expected to disrupt MYO7A protein function with a negative predictive value of 95%. In summary, the available evidence is currently insufficient to determine the role of this variant in disease. Therefore, it has been classified as a Variant of Uncertain Significance.

Ambry Genetics
Classification: Uncertain significance for Inborn genetic diseases. Last evaluated: 2022-09-07. Review status: criteria provided, single submitter. Criteria: Ambry Variant Classification Scheme 2023. Collection method: clinical testing. Allele origin: germline.

Blueprint Genetics
Classification: Uncertain significance. Last evaluated: 2020-04-21. Review status: criteria provided, single submitter. Criteria: ACMG Guidelines, 2015. Collection method: clinical testing. Allele origin: germline.

GeneDx
Classification: Uncertain significance. Last evaluated: 2020-01-17. Review status: criteria provided, single submitter. Criteria: GeneDx Variant Classification Process June 2021. Collection method: clinical testing. Allele origin: germline. Affected: yes.
Comment: In silico analysis, which includes protein predictors and evolutionary conservation, supports a deleterious effect; Has not been previously published as pathogenic or benign to our knowledge